The following is an entry in ClinVar:

NM_001374828.1(ARID1B):c.593_594insACAGCA (p.Gln213_Gln214dup)

Genes: ARID1B (AT-rich interaction domain 1B; plus strand), LOC115308161 (uncharacterized LOC115308161; minus strand). Cytogenetic location: 6q25.3.
Variant type: Insertion.
Coding change: c.593_594insACAGCA on transcript NM_001374828.1 (MANE Select); coding-DNA positions 593 to 594, ACAGCA inserted.
Protein change: p.Gln213_Gln214dup.
Molecular consequence: inframe insertion. On other transcripts: non-coding transcript variant (1).
Genome position: GRCh38 VCF-style: chr6-156778268-C-CCAGCAA. GRCh37 (hg19) VCF-style: chr6-157099402-C-CCAGCAA.
Other names: c.593_594insACAGCA, p.Gln213_Gln214dup (NM_001371656.1, NM_001374820.1, NM_017519.3).
Identifiers: ClinVar variation 1364957 (VCV001364957.6), dbSNP rs1778809346, ClinGen allele CA1096260222.

ClinVar aggregate classification (germline): Uncertain significance (1 of 4 stars; one submission).

Submission:

Labcorp Genetics (formerly Invitae), Labcorp
Classification: Uncertain significance. Last evaluated: 2021-10-02. Review status: criteria provided, single submitter. Criteria: Invitae Variant Classification Sherloc (09022015). Collection method: clinical testing. Allele origin: germline.
Comment: In summary, the available evidence is currently insufficient to determine the role of this variant in disease. Therefore, it has been classified as a Variant of Uncertain Significance. Experimental studies and prediction algorithms are not available or were not evaluated, and the functional significance of this variant is currently unknown. This variant has not been reported in the literature in individuals affected with ARID1B-related conditions. The frequency data for this variant in the population databases is considered unreliable, as metrics indicate insufficient coverage at this position in the ExAC database. This variant, c.344_345insACAGCA, results in the insertion of 2 amino acid(s) to the ARID1B protein (p.Gln130_Gln131dup), but otherwise preserves the integrity of the reading frame.